The following is an entry in ClinVar:

ClinVar aggregate classification (germline): Conflicting classifications of pathogenicity. Review status: criteria provided, conflicting classifications (1 of 4 stars). 9 submissions from 9 submitters: Pathogenic (3); Likely pathogenic (4); Uncertain significance (1). 1 of the submissions does not count toward it. Last evaluated 2025-07-26.

Conditions:
AP4M1-related disorder. Also called: AP4M1-related condition.
Hereditary spastic paraplegia 50 (SPG50). Also called: Spastic paraplegia 50, autosomal recessive. Identifiers: Orphanet 280763, MedGen C2752008, MONDO:0013048, OMIM 612936.
Spastic paraplegia. Identifiers: MedGen C0037772, HP:0001258.

Allele frequency attached by ClinVar (database versions not stated): gnomAD exomes below 0.00001 and 0.00001; TOPMed below 0.00001; gnomAD 0.00001.
gnomAD v4.1: 14 of 1,613,852 alleles (0.00087%); highest among the groups gnomAD compares: East Asian, 0.0022%; no homozygotes.

Submissions (9):

Revvity Omics, Revvity
Classification: Pathogenic for Hereditary spastic paraplegia 50. Last evaluated: 2025-07-26. Review status: criteria provided, single submitter. Criteria: ACMG Guidelines, 2015. Collection method: clinical testing. Allele origin: germline.

CeGaT Center for Human Genetics Tuebingen
Classification: Uncertain significance. Last evaluated: 2024-06-01. Review status: criteria provided, single submitter. Criteria: CeGaT Center For Human Genetics Tuebingen Variant Classification Criteria Version 2. Collection method: clinical testing. Allele origin: germline. Affected: yes. Observed: 1 variant allele.
Comment: AP4M1: PM2, PVS1:Moderate

Institute of Human Genetics, Heidelberg University
Classification: Likely pathogenic for Hereditary spastic paraplegia 50. Last evaluated: 2023-08-30. Review status: criteria provided, single submitter. Criteria: ACMG Guidelines, 2015. Collection method: clinical testing. Allele origin: biparental. Affected: yes.

Labcorp Genetics (formerly Invitae), Labcorp
Classification: Pathogenic for Hereditary spastic paraplegia 50. Last evaluated: 2023-08-04. Review status: criteria provided, single submitter. Criteria: Invitae Variant Classification Sherloc (09022015). Collection method: clinical testing. Allele origin: germline.
Comment: This premature translational stop signal has been observed in individual(s) with clinical features of hereditary spastic paraplegia (PMID: 26077850, 32979048, 32989326; Invitae). In at least one individual the data is consistent with being in trans (on the opposite chromosome) from a pathogenic variant. This variant is present in population databases (no rsID available, gnomAD 0.0009%). This sequence change creates a premature translational stop signal (p.Arg441*) in the AP4M1 gene. While this is not anticipated to result in nonsense mediated decay, it is expected to disrupt the last 13 amino acid(s) of the AP4M1 protein. For these reasons, this variant has been classified as Pathogenic. ClinVar contains an entry for this variant (Variation ID: 279679).

Blueprint Genetics
Classification: Likely pathogenic for AP4M1-related disorders. Last evaluated: 2022-09-06. Review status: criteria provided, single submitter. Criteria: ACMG Guidelines, 2015. Collection method: clinical testing. Allele origin: germline. Affected: yes. Observed: 2 variant alleles.

AiLife Diagnostics
Classification: Likely pathogenic. Last evaluated: 2020-05-05. Review status: criteria provided, single submitter. Criteria: ACMG Guidelines, 2015. Collection method: clinical testing. Allele origin: germline. Affected: yes. Observed: 1 variant allele.

GeneDx
Classification: Pathogenic. Last evaluated: 2020-01-10. Review status: criteria provided, single submitter. Criteria: GeneDx Variant Classification Process June 2021. Collection method: clinical testing. Allele origin: germline. Affected: yes.
Comment: Nonsense variant predicted to result in protein truncation, although loss-of-function variants have not been reported downstream of this position in the protein; Not observed at a significant frequency in large population cohorts (Lek et al., 2016); This variant is associated with the following publications: (PMID: 26077850, 32989326, 32371413)

Institute for Genomic Medicine (IGM) Clinical Laboratory, Nationwide Children's Hospital
Classification: Likely pathogenic for Hereditary spastic paraplegia 50. Last evaluated: 2018-09-13. Review status: criteria provided, single submitter. Criteria: ACMG Guidelines, 2015. Collection method: clinical testing. Allele origin: germline. Affected: yes.
Comment: [ACMG/AMP: PM2, PM3, PP3, PP5] This alteration is absent from or rarely observed in large-scale population databases [PM2], is detected in trans with a known pathogenic variant [PM3], is predicted to be damaging by multiple functional prediction tools [PP3], was reported as a pathogenic/likely pathogenic alteration by a reputable source (ClinVar or other correspondence from a clinical testing laboratory) [PP5].

Yale Center for Mendelian Genomics, Yale University
Classification: Likely pathogenic for Spastic paraplegia. Last evaluated: 2020-10-01. Review status: no assertion criteria provided. Collection method: literature only. Allele origin: germline. Affected: yes. Observed: 2 compound heterozygotes. Study: Yale Center for Mendelian Genomics. Not counted in ClinVar's aggregate classification.

Literature cited by the submitters: PubMed 26077850 (cited by Labcorp Genetics (formerly Invitae), Labcorp and AiLife Diagnostics); PubMed 32979048 (cited by Labcorp Genetics (formerly Invitae), Labcorp and Yale Center for Mendelian Genomics, Yale University); PubMed 32989326 (cited by Labcorp Genetics (formerly Invitae), Labcorp).

NM_004722.4(AP4M1):c.1321C>T (p.Arg441Ter)

Gene: AP4M1 (adaptor related protein complex 4 subunit mu 1; plus strand). Cytogenetic location: 7q22.1.
Variant type: single nucleotide variant.
Coding change: c.1321C>T on transcript NM_004722.4 (MANE Select); coding-DNA position 1321, C replaced by T.
Protein change: p.Arg441Ter; replaces arginine 441 with a stop codon.
Molecular consequence: nonsense.
Genome position (GRCh38, 1-based): chr7:100,106,841, C>T. VCF-style: chr7-100106841-C-T. GRCh37 (hg19) VCF-style: chr7-99704464-C-T.
Other names: c.1342C>T, p.Arg448Ter (NM_001363671.2); short protein forms R441*, R448*.
Identifiers: ClinVar variation 279679 (VCV000279679.43), dbSNP rs886041126, ClinGen allele CA10602949.